The following is an entry in ClinVar:

NM_002850.4(PTPRS):c.5772G>A (p.Gln1924=)

Gene: PTPRS (protein tyrosine phosphatase receptor type S; minus strand). Cytogenetic location: 19p13.3.
Variant type: single nucleotide variant.
Coding change: c.5772G>A on transcript NM_002850.4 (MANE Select); coding-DNA position 5772, G replaced by A.
Protein change: p.Gln1924=; no amino-acid change (glutamine 1924 retained).
Molecular consequence: synonymous variant.
Genome position (GRCh38, 1-based): chr19:5,207,928, C>T on the plus strand (G>A on the coding strand, the complement: PTPRS is on the minus strand). VCF-style: chr19-5207928-C-T. GRCh37 (hg19) VCF-style: chr19-5207939-C-T.
Other names: c.5706G>A, p.Gln1902= (NM_001394011.1); c.5685G>A, p.Gln1895= (NM_001394012.1); c.5646G>A, p.Gln1882= (NM_001394013.1); c.4431G>A, p.Gln1477= (NM_130853.3); c.5658G>A, p.Gln1886= (NM_130854.3); c.4443G>A, p.Gln1481= (NM_130855.3).
Identifiers: ClinVar variation 3033817 (VCV003033817.2), dbSNP rs375237464, ClinGen allele CA9108638.
Genomic context (GRCh38, chr19:5,207,928, plus strand): 5'-AGGGGCAGTCGGGGCGTGAGGCCAGGCTGCCTCCCCTCCCTGTCCCATCTTTACCTCTGT[C>T]TGCACCATGGCCGGCCGCTGGGTTCGTAGCATCTTCACCGTCTGAAAGATGTCCACCACG-3'
Protein context (NP_002841.3, residues 1914-1934): MLRTQRPAMV[Gln1924=]TEDEYQFCYQ

ClinVar aggregate classification (germline): Likely benign (0 of 4 stars; one submission).

Conditions:
PTPRS-related disorder. Also called: PTPRS-related condition.

Allele frequency attached by ClinVar (database versions not stated): ESP Exome Variant Server 0.00008; ExAC 0.00012; gnomAD 0.00012; TOPMed 0.00022; gnomAD exomes 0.00029.
gnomAD v4.1: 444 of 1,613,704 alleles (0.028%); highest among the groups gnomAD compares: Middle Eastern, 0.35%; no homozygotes.

Submission:

PreventionGenetics, part of Exact Sciences
Classification: Likely benign for PTPRS-related condition. Last evaluated: 2019-06-13. Review status: no assertion criteria provided. Collection method: clinical testing. Allele origin: germline.
Comment: This variant is classified as likely benign based on ACMG/AMP sequence variant interpretation guidelines (Richards et al. 2015 PMID: 25741868, with internal and published modifications).